The following is an entry in ClinVar:

NM_022455.5(NSD1):c.353C>T (p.Pro118Leu)

Gene: NSD1 (nuclear receptor binding SET domain protein 1; plus strand). Cytogenetic location: 5q35.3.
Variant type: single nucleotide variant.
Coding change: c.353C>T on transcript NM_022455.5 (MANE Select); coding-DNA position 353, C replaced by T.
Protein change: p.Pro118Leu; replaces proline 118 with leucine.
Molecular consequence: missense variant. On other transcripts: intron variant (7).
Genome position (GRCh38, 1-based): chr5:177,135,456, C>T. VCF-style: chr5-177135456-C-T. GRCh37 (hg19) VCF-style: chr5-176562457-C-T.
Other names: c.353C>T, p.Pro118Leu (NM_001409301.1, NM_001409302.1, NM_001409303.1 and 1 more transcripts); c.-37+256C>T (NM_001409305.1, NM_001409306.1, NM_001409308.1 and 4 more transcripts); short protein forms P118L.
Identifiers: ClinVar variation 2005671 (VCV002005671.4), dbSNP rs2149755881, ClinGen allele CA362292853.

ClinVar aggregate classification (germline): Uncertain significance (1 of 4 stars; one submission).

Submission:

Labcorp Genetics (formerly Invitae), Labcorp
Classification: Uncertain significance. Last evaluated: 2024-06-03. Review status: criteria provided, single submitter. Criteria: Invitae Variant Classification Sherloc (09022015). Collection method: clinical testing. Allele origin: germline.
Comment: This sequence change replaces proline, which is neutral and non-polar, with leucine, which is neutral and non-polar, at codon 118 of the NSD1 protein (p.Pro118Leu). This variant is not present in population databases (gnomAD no frequency). This variant has not been reported in the literature in individuals affected with NSD1-related conditions. ClinVar contains an entry for this variant (Variation ID: 2005671). Advanced modeling of protein sequence and biophysical properties (such as structural, functional, and spatial information, amino acid conservation, physicochemical variation, residue mobility, and thermodynamic stability) performed at Invitae indicates that this missense variant is not expected to disrupt NSD1 protein function with a negative predictive value of 95%. In summary, the available evidence is currently insufficient to determine the role of this variant in disease. Therefore, it has been classified as a Variant of Uncertain Significance.